The following is an entry in ClinVar:

NM_001429.4(EP300):c.3070_3074del (p.Lys1024fs)

Genes: EP300 (EP300 lysine acetyltransferase; plus strand), LOC126863158 (BRD4-independent group 4 enhancer GRCh37_chr22:41547383-41548582; plus strand). Cytogenetic location: 22q13.2.
Variant type: Deletion.
Coding change: c.3070_3074del on transcript NM_001429.4 (MANE Select); coding-DNA positions 3070 to 3074, 5 bases deleted (AAAGA; older notation c.3070_3074delAAAGA).
Protein change: p.Lys1024fs; shifts the reading frame from lysine 1024.
Molecular consequence: frameshift variant.
Genome position (GRCh38, 1-based): chr22:41,152,278-41,152,282, AAAGA deleted; deleting any 5 consecutive bases within chr22:41,152,277-41,152,282 gives the same sequence; the c. name uses the placement nearest the transcript's 3' end. VCF-style (leftmost placement, unchanged base first): chr22-41152276-TAAAAG-T. GRCh37 (hg19) VCF-style: chr22-41548280-TAAAAG-T.
Other names: c.2992_2996del, p.Lys998fs (NM_001362843.2); short protein forms K1024fs, K998fs.
Identifiers: ClinVar variation 487227 (VCV000487227.1), dbSNP rs1555909697, ClinGen allele CA658658921.
Genomic context (GRCh38, chr22:41,152,276, plus strand): 5'-AAGACTGTAAAATGGAATCTACCGAAACAGAAGAGAGAAGCACTGAGTTAAAAACTGAAA[TAAAAG>T]AGGAGGAAGACCAGCCAAGTACTTCAGCTACCCAGTCATCTCCGGCTCCAGGACAGTCAA-3'

ClinVar aggregate classification (germline): Pathogenic (1 of 4 stars; one submission).

Conditions:
Rubinstein-Taybi syndrome due to EP300 haploinsufficiency. Also called: EP300-Related Rubinstein-Taybi Syndrome; RUBINSTEIN-TAYBI SYNDROME 2. Identifiers: Orphanet 353284, Orphanet 783, MedGen C3150941, MONDO:0013364, OMIM 613684.

Submission:

Labcorp Genetics (formerly Invitae), Labcorp
Classification: Pathogenic for Rubinstein-Taybi syndrome due to EP300 haploinsufficiency. Last evaluated: 2017-07-14. Review status: criteria provided, single submitter. Criteria: Invitae Variant Classification Sherloc (09022015). Collection method: clinical testing. Allele origin: germline.
Comment: This sequence change creates a premature translational stop signal (p.Lys1024Glyfs*63) in the EP300 gene. It is expected to result in an absent or disrupted protein product. This variant is not present in population databases (ExAC no frequency). This variant has not been reported in the literature in individuals with EP300-related disease. Loss-of-function variants in EP300 are known to be pathogenic (PMID: 15706485, 24476420). For these reasons, this variant has been classified as Pathogenic.